The following is an entry in ClinVar:

NM_002206.3(ITGA7):c.2196G>A (p.Ala732=)

Genes: ITGA7 (integrin subunit alpha 7; minus strand), LOC126861535 (CDK7 strongly-dependent group 2 enhancer GRCh37_chr12:56087579-56088778; plus strand). Cytogenetic location: 12q13.2.
Variant type: single nucleotide variant.
Coding change: c.2196G>A on transcript NM_002206.3 (MANE Select); coding-DNA position 2196, G replaced by A.
Protein change: p.Ala732=; no amino-acid change (alanine 732 retained).
Molecular consequence: synonymous variant. On other transcripts: intron variant (1).
Genome position (GRCh38, 1-based): chr12:55,694,778, C>T on the plus strand (G>A on the coding strand, the complement: ITGA7 is on the minus strand). VCF-style: chr12-55694778-C-T. GRCh37 (hg19) VCF-style: chr12-56088562-C-T.
Other names: c.2208G>A, p.Ala736= (NM_001144996.2); c.1917G>A, p.Ala639= (NM_001144997.2); c.1869G>A, p.Ala623= (NM_001367993.1); c.852G>A, p.Ala284= (NM_001367994.1); c.2178G>A, p.Ala726= (NM_001374465.1); c.2328G>A, p.Ala776= (NM_001410977.1); c.2190G>A, p.Ala730= (NM_001414029.1); c.2121G>A, p.Ala707= (NM_001414030.1); and 5 more.
Identifiers: ClinVar variation 2063072 (VCV002063072.1), dbSNP rs778202604, ClinGen allele CA6615722.

ClinVar aggregate classification (germline): Uncertain significance (1 of 4 stars; one submission).

Conditions:
Congenital muscular dystrophy due to integrin alpha-7 deficiency. Also called: Congenital muscular dystrophy with integrin alpha-7 deficiency; Muscular dystrophy, congenital, due to ITGA7 deficiency; MYOPATHY, CONGENITAL, DUE TO INTEGRIN ALPHA-7 DEFICIENCY. Identifiers: Orphanet 34520, MedGen C2750786, MONDO:0013177, OMIM 613204.

Allele frequency attached by ClinVar (database versions not stated): gnomAD 0.00001; gnomAD exomes 0.00002; TOPMed 0.00003; ExAC 0.00004.
gnomAD v4.1: 32 of 1,613,962 alleles (0.002%); highest among the groups gnomAD compares: South Asian, 0.012%; no homozygotes.

Submission:

Labcorp Genetics (formerly Invitae), Labcorp
Classification: Uncertain significance for Congenital muscular dystrophy due to integrin alpha-7 deficiency. Last evaluated: 2022-08-22. Review status: criteria provided, single submitter. Criteria: Invitae Variant Classification Sherloc (09022015). Collection method: clinical testing. Allele origin: germline.
Comment: This sequence change affects codon 732 of the ITGA7 mRNA. It is a 'silent' change, meaning that it does not change the encoded amino acid sequence of the ITGA7 protein. This variant also falls at the last nucleotide of exon 15, which is part of the consensus splice site for this exon. This variant is present in population databases (rs778202604, gnomAD 0.02%). This variant has not been reported in the literature in individuals affected with ITGA7-related conditions. Variants that disrupt the consensus splice site are a relatively common cause of aberrant splicing (PMID: 17576681, 9536098). Algorithms developed to predict the effect of sequence changes on RNA splicing suggest that this variant may create or strengthen a splice site. In summary, the available evidence is currently insufficient to determine the role of this variant in disease. Therefore, it has been classified as a Variant of Uncertain Significance.

Literature cited by the submitters: PubMed 17576681; PubMed 9536098.